The following is an entry in ClinVar:

ClinVar aggregate classification (germline): Uncertain significance (1 of 4 stars; one submission).

Conditions:
Pityriasis rubra pilaris (PRP). Also called: Pityriasis rubra pilaris--familial type. Identifiers: Orphanet 2897, MedGen C0032027, MONDO:0100017, OMIM 173200, MONDO:0008251.
Psoriasis 2. Identifiers: MedGen C1864497, MONDO:0011269, OMIM 602723.

Submission:

Labcorp Genetics (formerly Invitae), Labcorp
Classification: Uncertain significance for Pityriasis rubra pilaris; Psoriasis 2. Last evaluated: 2026-02-02. Review status: criteria provided, single submitter. Criteria: Invitae Variant Classification Sherloc (09022015). Collection method: clinical testing. Allele origin: germline.
Comment: This sequence change replaces serine, which is neutral and polar, with arginine, which is basic and polar, at codon 500 of the CARD14 protein (p.Ser500Arg). This variant is not present in population databases (gnomAD no frequency). This variant has not been reported in the literature in individuals affected with CARD14-related conditions. Invitae Evidence Modeling of protein sequence and biophysical properties (such as structural, functional, and spatial information, amino acid conservation, physicochemical variation, residue mobility, and thermodynamic stability) indicates that this missense variant is not expected to disrupt CARD14 protein function with a negative predictive value of 95%. In summary, the available evidence is currently insufficient to determine the role of this variant in disease. Therefore, it has been classified as a Variant of Uncertain Significance.

NM_001366385.1(CARD14):c.1500C>G (p.Ser500Arg)

Gene: CARD14 (caspase recruitment domain family member 14; plus strand). Cytogenetic location: 17q25.3.
Variant type: single nucleotide variant.
Coding change: c.1500C>G on transcript NM_001366385.1 (MANE Select); coding-DNA position 1500, C replaced by G.
Protein change: p.Ser500Arg; replaces serine 500 with arginine.
Molecular consequence: missense variant. On other transcripts: non-coding transcript variant (1).
Genome position (GRCh38, 1-based): chr17:80,195,558, C>G. VCF-style: chr17-80195558-C-G. GRCh37 (hg19) VCF-style: chr17-78169357-C-G.
Other names: c.1500C>G, p.Ser500Arg (NM_001257970.1, NM_024110.4); c.789C>G, p.Ser263Arg (NM_052819.3); short protein forms S500R, S263R.
Identifiers: ClinVar variation 4792263 (VCV004792263.1).